The following is an entry in ClinVar:

ClinVar aggregate classification (germline): Uncertain significance (1 of 4 stars; one submission).

Submission:

GeneDx
Classification: Uncertain significance. Last evaluated: 2025-07-09. Review status: criteria provided, single submitter. Criteria: GeneDx Variant Classification Process June 2021. Collection method: clinical testing. Allele origin: germline. Affected: yes.
Comment: Not observed at significant frequency in large population cohorts (gnomAD); In silico analysis supports that this missense variant has a deleterious effect on protein structure/function; Has not been previously published as pathogenic or benign to our knowledge

NM_001005273.3(CHD3):c.2308C>A (p.Gln770Lys)

Gene: CHD3 (chromodomain helicase DNA binding protein 3; plus strand). Cytogenetic location: 17p13.1.
Variant type: single nucleotide variant.
Coding change: c.2308C>A on transcript NM_001005273.3 (MANE Select); coding-DNA position 2308, C replaced by A.
Protein change: p.Gln770Lys; replaces glutamine 770 with lysine.
Molecular consequence: missense variant.
Genome position (GRCh38, 1-based): chr17:7,899,167, C>A. VCF-style: chr17-7899167-C-A. GRCh37 (hg19) VCF-style: chr17-7802485-C-A.
Other names: c.2485C>A, p.Gln829Lys (NM_001437504.1, NM_001005271.3); c.2473C>A, p.Gln825Lys (NM_001437507.1, NM_001437508.1, NM_001437509.1); c.2308C>A, p.Gln770Lys (NM_005852.4); short protein forms Q770K, Q825K, Q829K.
Identifiers: ClinVar variation 4685331 (VCV004685331.1).